The following is an entry in ClinVar:

NM_021830.5(TWNK):c.637G>C (p.Gly213Arg)

Gene: TWNK (twinkle mtDNA helicase; plus strand). Cytogenetic location: 10q24.31.
Variant type: single nucleotide variant.
Coding change: c.637G>C on transcript NM_021830.5 (MANE Select); coding-DNA position 637, G replaced by C.
Protein change: p.Gly213Arg; replaces glycine 213 with arginine.
Molecular consequence: missense variant. On other transcripts: non-coding transcript variant (4), intron variant (3).
Genome position (GRCh38, 1-based): chr10:100,988,847, G>C. VCF-style: chr10-100988847-G-C. GRCh37 (hg19) VCF-style: chr10-102748604-G-C.
Other names: c.637G>C, p.Gly213Arg (NM_001163812.2); c.-119-797G>C (NM_001163814.2, NM_001163813.2); c.-57-859G>C (NM_001368275.1); short protein forms G213R.
Identifiers: ClinVar variation 3616992 (VCV003616992.2).

ClinVar aggregate classification (germline): Uncertain significance (1 of 4 stars; one submission).

gnomAD v4.1: 4 of 1,614,180 alleles (0.00025%); highest among the groups gnomAD compares: Admixed American, 0.0067%; no homozygotes.

Submission:

Labcorp Genetics (formerly Invitae), Labcorp
Classification: Uncertain significance. Last evaluated: 2025-02-15. Review status: criteria provided, single submitter. Criteria: Invitae Variant Classification Sherloc (09022015). Collection method: clinical testing. Allele origin: germline.
Comment: This sequence change replaces glycine, which is neutral and non-polar, with arginine, which is basic and polar, at codon 213 of the TWNK protein (p.Gly213Arg). This variant is present in population databases (no rsID available, gnomAD 0.006%). This variant has not been reported in the literature in individuals affected with TWNK-related conditions. Invitae Evidence Modeling of protein sequence and biophysical properties (such as structural, functional, and spatial information, amino acid conservation, physicochemical variation, residue mobility, and thermodynamic stability) indicates that this missense variant is not expected to disrupt TWNK protein function with a negative predictive value of 95%. In summary, the available evidence is currently insufficient to determine the role of this variant in disease. Therefore, it has been classified as a Variant of Uncertain Significance.